The following is an entry in ClinVar:

NM_001319217.2(CYP1A1):c.278G>A (p.Arg93Gln)

Gene: CYP1A1 (cytochrome P450 family 1 subfamily A member 1; minus strand). Cytogenetic location: 15q24.1.
Variant type: single nucleotide variant.
Coding change: c.278G>A on transcript NM_001319217.2 (MANE Select); coding-DNA position 278, G replaced by A.
Protein change: p.Arg93Gln; replaces arginine 93 with glutamine.
Molecular consequence: missense variant.
Genome position (GRCh38, 1-based): chr15:74,722,820, C>T on the plus strand (G>A on the coding strand, the complement: CYP1A1 is on the minus strand). VCF-style: chr15-74722820-C-T. GRCh37 (hg19) VCF-style: chr15-75015161-C-T.
Other names: c.278G>A, p.Arg93Gln (NM_000499.5, NM_001319216.2); short protein forms R93Q.
Identifiers: ClinVar variation 3055847 (VCV003055847.2), dbSNP rs45528935, ClinGen allele CA7659580.

ClinVar aggregate classification (germline): Likely benign (0 of 4 stars; one submission).

Conditions:
CYP1A1-related disorder. Also called: CYP1A1-related condition.

Allele frequency attached by ClinVar (database versions not stated): gnomAD 0.00066; TOPMed 0.00083; ESP Exome Variant Server 0.00092; 1000 Genomes Project 30x 0.00203; 1000 Genomes Project 0.00220.

Submission:

PreventionGenetics, part of Exact Sciences
Classification: Likely benign for CYP1A1-related condition. Last evaluated: 2019-04-29. Review status: no assertion criteria provided. Collection method: clinical testing. Allele origin: germline.
Comment: This variant is classified as likely benign based on ACMG/AMP sequence variant interpretation guidelines (Richards et al. 2015 PMID: 25741868, with internal and published modifications).